The following is an entry in ClinVar:

ClinVar aggregate classification (germline): Uncertain significance (1 of 4 stars; one submission).

Conditions:
Norman-Roberts syndrome (LIS2). Also called: Lissencephaly 2 (Norman-Roberts type). Identifiers: Orphanet 89844, MedGen C0796089, MONDO:0009760, OMIM 257320.
Familial temporal lobe epilepsy 7. Identifiers: Orphanet 101046, MedGen C4225327, MONDO:0014639, OMIM 616436.

Allele frequency attached by ClinVar (database versions not stated): gnomAD exomes below 0.00001; TOPMed below 0.00001; gnomAD 0.00001.
gnomAD v4.1: 2 of 1,614,102 alleles (0.00012%); highest among the groups gnomAD compares: Non-Finnish European, 0.00017%; no homozygotes.

Submission:

Labcorp Genetics (formerly Invitae), Labcorp
Classification: Uncertain significance for Familial temporal lobe epilepsy 7; Norman-Roberts syndrome. Last evaluated: 2023-12-22. Review status: criteria provided, single submitter. Criteria: Invitae Variant Classification Sherloc (09022015). Collection method: clinical testing. Allele origin: germline.
Comment: This sequence change replaces threonine, which is neutral and polar, with alanine, which is neutral and non-polar, at codon 2368 of the RELN protein (p.Thr2368Ala). This variant is not present in population databases (gnomAD no frequency). This variant has not been reported in the literature in individuals affected with RELN-related conditions. ClinVar contains an entry for this variant (Variation ID: 2001430). Advanced modeling of protein sequence and biophysical properties (such as structural, functional, and spatial information, amino acid conservation, physicochemical variation, residue mobility, and thermodynamic stability) performed at Invitae indicates that this missense variant is not expected to disrupt RELN protein function with a negative predictive value of 80%. In summary, the available evidence is currently insufficient to determine the role of this variant in disease. Therefore, it has been classified as a Variant of Uncertain Significance.

NM_005045.4(RELN):c.7102A>G (p.Thr2368Ala)

Gene: RELN (reelin; minus strand). Cytogenetic location: 7q22.1.
Variant type: single nucleotide variant.
Coding change: c.7102A>G on transcript NM_005045.4 (MANE Select); coding-DNA position 7102, A replaced by G.
Protein change: p.Thr2368Ala; replaces threonine 2368 with alanine.
Molecular consequence: missense variant.
Genome position (GRCh38, 1-based): chr7:103,539,156, T>C on the plus strand (A>G on the coding strand, the complement: RELN is on the minus strand). VCF-style: chr7-103539156-T-C. GRCh37 (hg19) VCF-style: chr7-103179603-T-C.
Other names: c.7102A>G, p.Thr2368Ala (NM_173054.3); short protein forms T2368A.
Identifiers: ClinVar variation 2001430 (VCV002001430.4), dbSNP rs1466580714, ClinGen allele CA368769143.